The following is an entry in ClinVar:

ClinVar aggregate classification (germline): Uncertain significance. Review status: criteria provided, multiple submitters, no conflicts (2 of 4 stars). 3 submissions from 3 submitters: Uncertain significance (2). 1 of the submissions does not count toward it. Last evaluated 2025-07-10.

Conditions:
Hereditary cancer-predisposing syndrome. Also called: Hereditary neoplastic syndrome; Neoplastic Syndromes, Hereditary; Hereditary Cancer Syndrome; Tumor predisposition. Identifiers: Orphanet 140162, MedGen C0027672, MeSH D009386, MONDO:0015356.
Fumarase deficiency (FMRD). Also called: Fumaric aciduria; Fumarate Hydratase Deficiency. Identifiers: Orphanet 24, MedGen C0342770, MONDO:0011730, OMIM 606812.

Allele frequency attached by ClinVar (database versions not stated): gnomAD 0.00001; TOPMed 0.00001.
gnomAD v4.1: 9 of 1,614,110 alleles (0.00056%); highest among the groups gnomAD compares: Non-Finnish European, 0.00076%; no homozygotes.

Submissions (3):

Labcorp Genetics (formerly Invitae), Labcorp
Classification: Uncertain significance. Last evaluated: 2025-07-10. Review status: criteria provided, single submitter. Criteria: Invitae Variant Classification Sherloc (09022015). Collection method: clinical testing. Allele origin: germline.
Comment: This sequence change replaces serine, which is neutral and polar, with threonine, which is neutral and polar, at codon 325 of the FH protein (p.Ser325Thr). This variant is present in population databases (no rsID available, gnomAD 0.007%). This variant has not been reported in the literature in individuals affected with FH-related conditions. ClinVar contains an entry for this variant (Variation ID: 573766). Invitae Evidence Modeling of protein sequence and biophysical properties (such as structural, functional, and spatial information, amino acid conservation, physicochemical variation, residue mobility, and thermodynamic stability) indicates that this missense variant is expected to disrupt FH protein function with a positive predictive value of 95%. In summary, the available evidence is currently insufficient to determine the role of this variant in disease. Therefore, it has been classified as a Variant of Uncertain Significance.

Ambry Genetics
Classification: Uncertain significance for Hereditary cancer-predisposing syndrome. Last evaluated: 2024-03-19. Review status: criteria provided, single submitter. Criteria: Ambry Variant Classification Scheme 2023. Collection method: clinical testing. Allele origin: germline.
Comment: The p.S325T variant (also known as c.974G>C), located in coding exon 7 of the FH gene, results from a G to C substitution at nucleotide position 974. The serine at codon 325 is replaced by threonine, an amino acid with similar properties. This amino acid position is highly conserved in available vertebrate species. In addition, this alteration is predicted to be deleterious by in silico analysis. Since supporting evidence is limited at this time, the clinical significance of this alteration remains unclear.

Natera, Inc.
Classification: Uncertain significance for Fumarase Deficiency. Last evaluated: 2021-03-16. Review status: no assertion criteria provided. Collection method: clinical testing. Allele origin: germline. Not counted in ClinVar's aggregate classification.

NM_000143.4(FH):c.974G>C (p.Ser325Thr)

Gene: FH (fumarate hydratase; minus strand). Cytogenetic location: 1q43.
Variant type: single nucleotide variant.
Coding change: c.974G>C on transcript NM_000143.4 (MANE Select); coding-DNA position 974, G replaced by C.
Protein change: p.Ser325Thr; replaces serine 325 with threonine.
Molecular consequence: missense variant.
Genome position (GRCh38, 1-based): chr1:241,504,176, C>G on the plus strand (G>C on the coding strand, the complement: FH is on the minus strand). VCF-style: chr1-241504176-C-G. GRCh37 (hg19) VCF-style: chr1-241667476-C-G.
Other names: short protein forms S325T.
Identifiers: ClinVar variation 573766 (VCV000573766.20), dbSNP rs1423324601, ClinGen allele CA345438303.
Genomic context (GRCh38, chr1:241,504,176, plus strand): 5'-AAAAATCGAATATCATTTGCTATCTTCATCAGACTGCAGGCAGTAGTGTTCATGGCTCCA[C>G]TGAGCTCAACCAGAGCGTCATGAGCAGCCAGAGCTTCAAATTTATTCGGAGCAGTGACAA-3'
Protein context (NP_000134.2, residues 315-335): LAAHDALVEL[Ser325Thr]GAMNTTACSL